The following is an entry in ClinVar:

NM_001244008.2(KIF1A):c.3681G>A (p.Pro1227=)

Gene: KIF1A (kinesin family member 1A; minus strand). Cytogenetic location: 2q37.3.
Variant type: single nucleotide variant.
Coding change: c.3681G>A on transcript NM_001244008.2 (MANE Select); coding-DNA position 3681, G replaced by A.
Protein change: p.Pro1227=; no amino-acid change (proline 1227 retained).
Molecular consequence: synonymous variant.
Genome position (GRCh38, 1-based): chr2:240,741,337, C>T on the plus strand (G>A on the coding strand, the complement: KIF1A is on the minus strand). VCF-style: chr2-240741337-C-T. GRCh37 (hg19) VCF-style: chr2-241680754-C-T.
Other names: p.Pro1126=; c.3405G>A, p.Pro1135= (NM_001320705.2, NM_001330289.2, NM_001379638.1); c.3480G>A, p.Pro1160= (NM_001330290.2, NM_001379634.1, NM_001379635.1 and 1 more transcripts); c.3756G>A, p.Pro1252= (NM_001379631.1); c.3630G>A, p.Pro1210= (NM_001379632.1); c.3654G>A, p.Pro1218= (NM_001379633.1, NM_001379642.1, NM_001379645.1); c.3378G>A, p.Pro1126= (NM_001379636.1, NM_001379639.1, NM_001379641.1 and 5 more transcripts); c.3453G>A, p.Pro1151= (NM_001379637.1, NM_001379648.1); and 2 more.
Identifiers: ClinVar variation 391226 (VCV000391226.46), dbSNP rs370913170, ClinGen allele CA2207701.
Genomic context (GRCh38, chr2:240,741,337, plus strand): 5'-GGCCTCCAGCTCACAGATCTCGAAGTAGACCAGCAGGTCGTACTTGCAGTGGCAGGGTCC[C>T]GGACAGGGCCGCGTCAGTGTGCTGAGCTTGGTGGCGGGCACTGTAGGGACAGGAGGGAGG-3'
Protein context (NP_001230937.1, residues 1217-1237): TKLSTLTRPC[Pro1227=]GPCHCKYDLL

ClinVar aggregate classification (germline): Benign/Likely benign. Review status: criteria provided, multiple submitters, no conflicts (2 of 4 stars). 10 submissions from 10 submitters: Benign (1); Likely benign (9). Last evaluated 2026-02-02.

Conditions:
Inborn genetic diseases. Identifiers: MedGen C0950123, MeSH D030342.
Neuropathy, hereditary sensory, type 2C. Also called: Hereditary sensory and autonomic neuropathy type IIC; KIF1A-Related HSAN2 (HSAN2C). Identifiers: Orphanet 970, MedGen C3280168, MONDO:0013634, OMIM 614213.
Intellectual disability, autosomal dominant 9 (NESCAVS). Also called: NESCAV SYNDROME; KIF1A-Related Neurodevelopmental Disorder. Identifiers: Orphanet 662367, MedGen C5393830, MONDO:0013656, OMIM 614255.
Hereditary spastic paraplegia 30. Identifiers: Orphanet 101010, MedGen C5235139, MONDO:0012476.
Hereditary spastic paraplegia. Also called: Familial spastic paraparesis. Identifiers: Orphanet 685, MedGen C0037773, MONDO:0019064. Disease mechanism: loss of function.

Allele frequency attached by ClinVar (database versions not stated): gnomAD 0.00018 and 0.00033; ESP Exome Variant Server 0.00024; TOPMed 0.00030; gnomAD exomes 0.00059; ExAC 0.00101; 1000 Genomes Project 30x 0.00141; 1000 Genomes Project 0.00160.
gnomAD v4.1: 932 of 1,593,740 alleles (0.058%); highest among the groups gnomAD compares: South Asian, 0.31%; 4 homozygotes.

Submissions (10):

Labcorp Genetics (formerly Invitae), Labcorp
Classification: Benign for Hereditary spastic paraplegia 30; Neuropathy, hereditary sensory, type 2C; Intellectual disability, autosomal dominant 9. Last evaluated: 2026-02-02. Review status: criteria provided, single submitter. Criteria: Invitae Variant Classification Sherloc (09022015). Collection method: clinical testing. Allele origin: germline.

Mayo Clinic Laboratories, Mayo Clinic
Classification: Likely benign. Last evaluated: 2025-08-07. Review status: criteria provided, single submitter. Criteria: ACMG Guidelines, 2015. Collection method: clinical testing. Allele origin: germline. Observed: 1 variant allele.
Comment: BS1, BP4, BP7

Laboratory of Genetics, Children's Clinical University Hospital Latvia
Classification: Likely benign. Last evaluated: 2025-02-16. Review status: criteria provided, single submitter. Criteria: ACMG Guidelines, 2015. Collection method: clinical testing. Allele origin: germline. Affected: yes.

Blueprint Genetics
Classification: Likely benign. Last evaluated: 2024-11-22. Review status: criteria provided, single submitter. Criteria: ACMG Guidelines, 2015. Collection method: clinical testing. Allele origin: germline.

ARUP Laboratories, Molecular Genetics and Genomics, ARUP Laboratories
Classification: Likely benign. Last evaluated: 2024-08-13. Review status: criteria provided, single submitter. Criteria: ARUP Molecular Germline Variant Investigation Process 2024. Collection method: clinical testing. Allele origin: germline.

CeGaT Center for Human Genetics Tuebingen
Classification: Likely benign. Last evaluated: 2023-03-01. Review status: criteria provided, single submitter. Criteria: CeGaT Center For Human Genetics Tuebingen Variant Classification Criteria Version 2. Collection method: clinical testing. Allele origin: germline. Affected: yes. Observed: 1 variant allele.
Comment: KIF1A: BP4, BP7

Genome Diagnostics Laboratory, The Hospital for Sick Children
Classification: Likely benign for Hereditary spastic paraplegia. Last evaluated: 2020-11-03. Review status: criteria provided, single submitter. Criteria: ACMG Guidelines, 2015. Collection method: clinical testing. Allele origin: germline. Affected: yes.

Ambry Genetics
Classification: Likely benign for Inborn genetic diseases. Last evaluated: 2017-09-06. Review status: criteria provided, single submitter. Criteria: Ambry Variant Classification Scheme 2023. Collection method: clinical testing. Allele origin: germline.

GeneDx
Classification: Likely benign. Last evaluated: 2016-11-30. Review status: criteria provided, single submitter. Criteria: GeneDx Variant Classification (06012015). Collection method: clinical testing. Allele origin: germline. Affected: yes.
Comment: This variant is considered likely benign or benign based on one or more of the following criteria: it is a conservative change, it occurs at a poorly conserved position in the protein, it is predicted to be benign by multiple in silico algorithms, and/or has population frequency not consistent with disease.

Breakthrough Genomics
Classification: Likely benign. Review status: criteria provided, single submitter. Criteria: ACMG Guidelines, 2015. Collection method: not provided. Allele origin: germline. Inheritance: Autosomal recessive inheritance. Affected: yes.